The following is an entry in ClinVar:

NM_015978.3(TNNI3K):c.1667+5G>A

Genes: TNNI3K (TNNI3 interacting kinase; plus strand), FPGT-TNNI3K (FPGT-TNNI3K readthrough; plus strand). Cytogenetic location: 1p31.1.
Variant type: single nucleotide variant.
Coding change: c.1667+5G>A on transcript NM_015978.3 (MANE Select); 5 bases into the intron after coding-DNA position 1667, G replaced by A.
Molecular consequence: intron variant.
Genome position (GRCh38, 1-based): chr1:74,369,590, G>A. VCF-style: chr1-74369590-G-A. GRCh37 (hg19) VCF-style: chr1-74835274-G-A.
Other names: c.1970+5G>A (NM_001112808.3, NM_001199327.2).
Identifiers: ClinVar variation 4727076 (VCV004727076.1).

ClinVar aggregate classification (germline): Uncertain significance (1 of 4 stars; one submission).

Submission:

Labcorp Genetics (formerly Invitae), Labcorp
Classification: Uncertain significance. Last evaluated: 2025-09-13. Review status: criteria provided, single submitter. Criteria: Invitae Variant Classification Sherloc (09022015). Collection method: clinical testing. Allele origin: germline.
Comment: This sequence change falls in intron 16 of the TNNI3K gene. It does not directly change the encoded amino acid sequence of the TNNI3K protein. It affects a nucleotide within the consensus splice site. This variant is not present in population databases (gnomAD no frequency). This variant has not been reported in the literature in individuals affected with TNNI3K-related conditions. Variants that disrupt the consensus splice site are a relatively common cause of aberrant splicing (PMID: 17576681, 9536098). Algorithms developed to predict the effect of sequence changes on RNA splicing suggest that this variant may disrupt the consensus splice site. In summary, the available evidence is currently insufficient to determine the role of this variant in disease. Therefore, it has been classified as a Variant of Uncertain Significance.

Literature cited by the submitters: PubMed 17576681; PubMed 9536098.